The following is an entry in ClinVar:

NM_017565.4(FAM20A):c.992G>A (p.Gly331Asp)

Genes: FAM20A (FAM20A golgi associated secretory pathway pseudokinase; minus strand), PRKAR1A (protein kinase cAMP-dependent type I regulatory subunit alpha; plus strand). Cytogenetic location: 17q24.2.
Variant type: single nucleotide variant.
Coding change: c.992G>A on transcript NM_017565.4 (MANE Select); coding-DNA position 992, G replaced by A.
Protein change: p.Gly331Asp; replaces glycine 331 with aspartic acid.
Molecular consequence: missense variant. On other transcripts: non-coding transcript variant (1), intron variant (1).
Genome position (GRCh38, 1-based): chr17:68,542,102, C>T on the plus strand (G>A on the coding strand, the complement: FAM20A is on the minus strand). VCF-style: chr17-68542102-C-T. GRCh37 (hg19) VCF-style: chr17-66538243-C-T.
Other names: c.578G>A, p.Gly193Asp (NM_001243746.2); c.974-8982C>T (NM_001276290.1); short protein forms G331D, G193D.
Identifiers: ClinVar variation 2138100 (VCV002138100.3), dbSNP rs981673034, ClinGen allele CA293305798.

ClinVar aggregate classification (germline): Uncertain significance (1 of 4 stars; one submission).

Allele frequency attached by ClinVar (database versions not stated): gnomAD 0.00001; TOPMed 0.00002.
gnomAD v4.1: 3 of 1,613,778 alleles (0.00019%); highest among the groups gnomAD compares: Admixed American, 0.0017%; no homozygotes.

Submission:

Labcorp Genetics (formerly Invitae), Labcorp
Classification: Uncertain significance. Last evaluated: 2023-08-10. Review status: criteria provided, single submitter. Criteria: Invitae Variant Classification Sherloc (09022015). Collection method: clinical testing. Allele origin: germline.
Comment: An algorithm developed to predict the effect of missense changes on protein structure and function (PolyPhen-2) suggests that this variant is likely to be disruptive. This sequence change replaces glycine, which is neutral and non-polar, with aspartic acid, which is acidic and polar, at codon 331 of the FAM20A protein (p.Gly331Asp). The frequency data for this variant in the population databases is considered unreliable, as metrics indicate poor data quality at this position in the gnomAD database. This variant has not been reported in the literature in individuals affected with FAM20A-related conditions. ClinVar contains an entry for this variant (Variation ID: 2138100). Experimental studies have shown that this missense change affects FAM20A function (PMID: 25789606). In summary, the available evidence is currently insufficient to determine the role of this variant in disease. Therefore, it has been classified as a Variant of Uncertain Significance.

Literature cited by the submitters: PubMed 25789606.